The following is an entry in ClinVar:

ClinVar aggregate classification (germline): Conflicting classifications of pathogenicity. Review status: criteria provided, conflicting classifications (1 of 4 stars). 5 submissions from 4 submitters: Uncertain significance (2); Likely benign (3). Last evaluated 2025-11-23.

Conditions:
Hyperparathyroidism. Identifiers: MedGen C0020502, MONDO:0001741, HP:0000843.
Multiple endocrine neoplasia, type 1 (MEN1). Also called: MEA I; MEN I; WERMER SYNDROME; Endocrine adenomatosis multiple; MEN 1. Identifiers: Orphanet 652, MedGen C0025267, MeSH D018761, MONDO:0007540, OMIM 131100.

gnomAD v4.1: 3 of 1,612,542 alleles (0.00019%); highest among the groups gnomAD compares: South Asian, 0.0011%; no homozygotes.

Submissions (5):

Labcorp Genetics (formerly Invitae), Labcorp
Classification: Likely benign for Multiple endocrine neoplasia, type 1. Last evaluated: 2025-11-23. Review status: criteria provided, single submitter. Criteria: Invitae Variant Classification Sherloc (09022015). Collection method: clinical testing. Allele origin: germline.

Myriad Genetics, Inc.
Classification: Likely benign for Multiple endocrine neoplasia, type 1. Last evaluated: 2024-11-05. Review status: criteria provided, single submitter. Criteria: Myriad Autosomal Dominant, Autosomal Recessive and X-Linked Classification Criteria (2023). Collection method: clinical testing. Allele origin: unknown.
Comment: This variant is considered likely benign. This variant is intronic and is not expected to impact mRNA splicing.

All of Us Research Program, National Institutes of Health
Classification: Likely benign for Multiple endocrine neoplasia, type 1. Last evaluated: 2023-05-04. Review status: criteria provided, single submitter. Criteria: ACMG Guidelines, 2015. Collection method: clinical testing. Allele origin: germline. Inheritance: Autosomal dominant inheritance. Observed: 2 variant alleles, 2 heterozygotes.
Comment: This study involves interpretation of variants in research participants for the purpose of population health screening. Participant phenotype was not available at the time of variant classification. Additional details can be found in publication PMID: 35346344, PMCID: PMC8962531

Illumina Laboratory Services, Illumina
Classification: Uncertain significance for Multiple endocrine neoplasia, type 1. Last evaluated: 2018-01-13. Review status: criteria provided, single submitter. Criteria: ICSL Variant Classification Criteria 13 December 2019. Collection method: clinical testing. Allele origin: germline.

Illumina Laboratory Services, Illumina
Classification: Uncertain significance for Hyperparathyroidism. Last evaluated: 2018-01-13. Review status: criteria provided, single submitter. Criteria: ICSL Variant Classification Criteria 13 December 2019. Collection method: clinical testing. Allele origin: germline.

NM_001370259.2(MEN1):c.1186-10C>T

Gene: MEN1 (menin 1; minus strand). Cytogenetic location: 11q13.1.
Variant type: single nucleotide variant.
Coding change: c.1186-10C>T on transcript NM_001370259.2 (MANE Select); 10 bases into the intron before coding-DNA position 1186, C replaced by T.
Molecular consequence: intron variant.
Genome position (GRCh38, 1-based): chr11:64,805,208, G>A on the plus strand (C>T on the coding strand, the complement: MEN1 is on the minus strand). VCF-style: chr11-64805208-G-A. GRCh37 (hg19) VCF-style: chr11-64572680-G-A.
Other names: c.1201-10C>T (NM_130804.3, NM_130803.3, NM_000244.4 and 3 more transcripts); c.1186-10C>T (NM_130799.3, NM_001370260.2, NM_001370261.2); c.1312-10C>T (NM_001370251.2); c.1081-10C>T (NM_001370263.2, NM_001370262.2).
Identifiers: ClinVar variation 305313 (VCV000305313.16), dbSNP rs762303621, ClinGen allele CA10639643.